The following is an entry in ClinVar:

NM_006086.4(TUBB3):c.325G>C (p.Gly109Arg)

Gene: TUBB3 (tubulin beta 3 class III; plus strand). Cytogenetic location: 16q24.3.
Variant type: single nucleotide variant.
Coding change: c.325G>C on transcript NM_006086.4 (MANE Select); coding-DNA position 325, G replaced by C.
Protein change: p.Gly109Arg; replaces glycine 109 with arginine.
Molecular consequence: missense variant.
Genome position (GRCh38, 1-based): chr16:89,934,776, G>C. VCF-style: chr16-89934776-G-C. GRCh37 (hg19) VCF-style: chr16-90001184-G-C.
Other names: c.109G>C, p.Gly37Arg (NM_001197181.2); short protein forms G109R, G37R.
Identifiers: ClinVar variation 3061198 (VCV003061198.2), dbSNP rs2544627074, ClinGen allele CA397474215.
Genomic context (GRCh38, chr16:89,934,776, plus strand): 5'-TCTCCCTGTACAGGTCAGAGTGGGGCCGGCAACAACTGGGCCAAGGGTCACTACACGGAG[G>C]GGGCGGAGCTGGTGGATTCGGTCCTGGATGTGGTGCGGAAGGAGTGTGAAAACTGCGACT-3'
Protein context (NP_006077.2, residues 99-119): NNWAKGHYTE[Gly109Arg]AELVDSVLDV

ClinVar aggregate classification (germline): Uncertain significance (0 of 4 stars; one submission).

Conditions:
TUBB3-related disorder. Also called: TUBB3-related condition; TUBB3-related disorders.

Submission:

PreventionGenetics, part of Exact Sciences
Classification: Uncertain significance for TUBB3-related condition. Last evaluated: 2024-02-21. Review status: no assertion criteria provided. Collection method: clinical testing. Allele origin: germline.
Comment: The TUBB3 c.325G>C variant is predicted to result in the amino acid substitution p.Gly109Arg. To our knowledge, this variant has not been reported in the literature or in a large population database, indicating this variant is rare. At this time, the clinical significance of this variant is uncertain due to the absence of conclusive functional and genetic evidence.